The following is an entry in ClinVar:

NM_144599.5(NIPA1):c.21_32dup (p.Ala16_Gly17insAlaAlaAlaAla)

Genes: NIPA1 (NIPA magnesium transporter 1; plus strand), LOC130056709 (ATAC-STARR-seq lymphoblastoid silent region 6259; plus strand). Cytogenetic location: 15q11.2.
Variant type: Duplication.
Coding change: c.21_32dup on transcript NM_144599.5 (MANE Select); coding-DNA positions 21 to 32, 12 bases duplicated (AGCGGCGGCGGC).
Protein change: p.Ala16_Gly17insAlaAlaAlaAla.
Molecular consequence: inframe insertion. On other transcripts: intron variant (1).
Genome position (GRCh38, 1-based): chr15:22,786,677-22,786,688, AGCGGCGGCGGC duplicated; duplicating any 12 consecutive bases within chr15:22,786,672-22,786,688 gives the same sequence; the c. name uses the placement nearest the transcript's 3' end. VCF-style (leftmost placement, unchanged base first): chr15-22786671-T-TGCGGCAGCGGCG. GRCh37 (hg19) VCF-style: chr15-23086379-C-CGCCGCCGCCGCT.
Other names: c.-48+429_-48+440dup (NM_001142275.1).
Identifiers: ClinVar variation 4692286 (VCV004692286.1).

ClinVar aggregate classification (germline): Uncertain significance (1 of 4 stars; one submission).

Conditions:
Hereditary spastic paraplegia 6 (SPG6). Also called: SPASTIC PARAPLEGIA 6, AUTOSOMAL DOMINANT. Identifiers: Orphanet 100988, MedGen C1838192, MONDO:0010878, OMIM 600363.

Submission:

Labcorp Genetics (formerly Invitae), Labcorp
Classification: Uncertain significance for Hereditary spastic paraplegia 6. Last evaluated: 2025-12-24. Review status: criteria provided, single submitter. Criteria: Invitae Variant Classification Sherloc (09022015). Collection method: clinical testing. Allele origin: germline.
Comment: This variant, c.21_32dup, results in the insertion of 4 amino acid(s) of the NIPA1 protein (p.Ala13_Ala16dup), but otherwise preserves the integrity of the reading frame. This variant is not present in population databases (gnomAD no frequency). This variant has not been reported in the literature in individuals affected with NIPA1-related conditions. Experimental studies and prediction algorithms are not available or were not evaluated, and the functional significance of this variant is currently unknown. In summary, the available evidence is currently insufficient to determine the role of this variant in disease. Therefore, it has been classified as a Variant of Uncertain Significance.